The following is an entry in ClinVar:

ClinVar aggregate classification (germline): Uncertain significance (1 of 4 stars; one submission).

Submission:

GeneDx
Classification: Uncertain significance. Last evaluated: 2022-10-24. Review status: criteria provided, single submitter. Criteria: GeneDx Variant Classification Process June 2021. Collection method: clinical testing. Allele origin: germline. Affected: yes.
Comment: Not observed at significant frequency in large population cohorts (gnomAD); Missense variants in this gene are often considered pathogenic (HGMD); In silico analysis supports that this missense variant has a deleterious effect on protein structure/function; Has not been previously published as pathogenic or benign to our knowledge

NM_001184880.2(PCDH19):c.1124A>G (p.Asp375Gly)

Gene: PCDH19 (protocadherin 19; minus strand). Cytogenetic location: Xq22.1.
Variant type: single nucleotide variant.
Coding change: c.1124A>G on transcript NM_001184880.2 (MANE Select); coding-DNA position 1124, A replaced by G.
Protein change: p.Asp375Gly; replaces aspartic acid 375 with glycine.
Molecular consequence: missense variant.
Genome position (GRCh38, 1-based): chrX:100,407,474, T>C on the plus strand (A>G on the coding strand, the complement: PCDH19 is on the minus strand). VCF-style: chrX-100407474-T-C. GRCh37 (hg19) VCF-style: chrX-99662472-T-C.
Other names: c.1124A>G, p.Asp375Gly (NM_001105243.2, NM_020766.3); short protein forms D375G.
Identifiers: ClinVar variation 2499799 (VCV002499799.1), dbSNP rs2147539571, ClinGen allele CA414004108.